The following is an entry in ClinVar:

NM_000083.3(CLCN1):c.626T>G (p.Met209Arg)

Gene: CLCN1 (chloride voltage-gated channel 1; plus strand). Cytogenetic location: 7q34.
Variant type: single nucleotide variant.
Coding change: c.626T>G on transcript NM_000083.3 (MANE Select); coding-DNA position 626, T replaced by G.
Protein change: p.Met209Arg; replaces methionine 209 with arginine.
Molecular consequence: missense variant. On other transcripts: non-coding transcript variant (1).
Genome position (GRCh38, 1-based): chr7:143,321,778, T>G. VCF-style: chr7-143321778-T-G. GRCh37 (hg19) VCF-style: chr7-143018871-T-G.
Other names: short protein forms M209R.
Identifiers: ClinVar variation 1369953 (VCV001369953.8), dbSNP rs1802444087, ClinGen allele CA369684658.

ClinVar aggregate classification (germline): Uncertain significance (1 of 4 stars; one submission).

Conditions:
Congenital myotonia, autosomal recessive form. Also called: BECKER DISEASE; Becker Generalized Myotonia; myotonia congenita, autosomal recessive. Identifiers: Orphanet 614, MedGen C0751360, MONDO:0009715, OMIM 255700.
Congenital myotonia, autosomal dominant form (THD). Also called: THOMSEN DISEASE; Myotonia congenita autosomal dominant. Identifiers: Orphanet 614, MedGen C2936781, MONDO:0008055, OMIM 160800.

Submission:

Labcorp Genetics (formerly Invitae), Labcorp
Classification: Uncertain significance for Congenital myotonia, autosomal recessive form; Congenital myotonia, autosomal dominant form. Last evaluated: 2021-07-26. Review status: criteria provided, single submitter. Criteria: Invitae Variant Classification Sherloc (09022015). Collection method: clinical testing. Allele origin: germline.
Comment: This sequence change replaces methionine with arginine at codon 209 of the CLCN1 protein (p.Met209Arg). The methionine residue is weakly conserved and there is a moderate physicochemical difference between methionine and arginine. This variant is not present in population databases (ExAC no frequency). In summary, the available evidence is currently insufficient to determine the role of this variant in disease. Therefore, it has been classified as a Variant of Uncertain Significance. Algorithms developed to predict the effect of missense changes on protein structure and function are either unavailable or do not agree on the potential impact of this missense change (SIFT: "Deleterious"; PolyPhen-2: "Benign"; Align-GVGD: "Class C0"). This variant has not been reported in the literature in individuals affected with CLCN1-related conditions.